The following is an entry in ClinVar:

ClinVar aggregate classification (germline): Uncertain significance (1 of 4 stars; one submission).

Conditions:
Hereditary cancer-predisposing syndrome. Also called: Tumor predisposition; Hereditary neoplastic syndrome; Neoplastic Syndromes, Hereditary; Hereditary Cancer Syndrome. Identifiers: Orphanet 140162, MedGen C0027672, MeSH D009386, MONDO:0015356.

Submission:

Ambry Genetics
Classification: Uncertain significance for Hereditary cancer-predisposing syndrome. Last evaluated: 2025-04-29. Review status: criteria provided, single submitter. Criteria: Ambry Variant Classification Scheme 2023. Collection method: clinical testing. Allele origin: germline.
Comment: The p.H506Q variant (also known as c.1518C>G), located in coding exon 11 of the BMPR1A gene, results from a C to G substitution at nucleotide position 1518. The histidine at codon 506 is replaced by glutamine, an amino acid with highly similar properties. This amino acid position is well conserved in available vertebrate species. In addition, this alteration is predicted to be tolerated by in silico analysis. Based on the available evidence, the clinical significance of this variant remains unclear.

NM_004329.3(BMPR1A):c.1518C>G (p.His506Gln)

Gene: BMPR1A (bone morphogenetic protein receptor type 1A; plus strand). Cytogenetic location: 10q23.2.
Variant type: single nucleotide variant.
Coding change: c.1518C>G on transcript NM_004329.3 (MANE Select); coding-DNA position 1518, C replaced by G.
Protein change: p.His506Gln; replaces histidine 506 with glutamine.
Molecular consequence: missense variant. On other transcripts: non-coding transcript variant (3).
Genome position (GRCh38, 1-based): chr10:86,923,638, C>G. VCF-style: chr10-86923638-C-G. GRCh37 (hg19) VCF-style: chr10-88683395-C-G.
Other names: c.1518C>G, p.His506Gln (NM_001406578.1, NM_001406579.1, NM_001406580.1 and 19 more transcripts); c.1512C>G, p.His504Gln (NM_001406583.1); c.1434C>G, p.His478Gln (NM_001406584.1, NM_001406585.1, NM_001406586.1 and 2 more transcripts); c.1593C>G, p.His531Gln (NM_001406559.1); c.1566C>G, p.His522Gln (NM_001406560.1); c.1176C>G, p.His392Gln (NM_001406589.1); short protein forms H478Q, H531Q, H392Q, H506Q, H504Q, H522Q.
Identifiers: ClinVar variation 3992025 (VCV003992025.1).